The following is an entry in ClinVar:

ClinVar aggregate classification (germline): Benign/Likely benign. Review status: criteria provided, multiple submitters, no conflicts (2 of 4 stars). 3 submissions from 3 submitters: Benign (1); Likely benign (2). Last evaluated 2024-10-19.

Conditions:
Hereditary coproporphyria (HCP). Also called: Hereditary coproporphyria porphyria; Porphyria hepatica coproporphyria; Porphyria hepatica II; CPRO deficiency; COPROPORPHYRINOGEN OXIDASE DEFICIENCY; CPO DEFICIENCY. Identifiers: Orphanet 79273, MedGen C0162531, MONDO:0007369, OMIM 121300.

Allele frequency attached by ClinVar (database versions not stated): gnomAD exomes 0.00007 and 0.00017; ExAC 0.00019; gnomAD 0.00023 and 0.00026; TOPMed 0.00028; 1000 Genomes Project 30x 0.00094; 1000 Genomes Project 0.00100.
gnomAD v4.1: 154 of 1,598,666 alleles (0.0096%); highest among the groups gnomAD compares: East Asian, 0.076%; no homozygotes.

Submissions (3):

Labcorp Genetics (formerly Invitae), Labcorp
Classification: Likely benign. Last evaluated: 2024-10-19. Review status: criteria provided, single submitter. Criteria: Invitae Variant Classification Sherloc (09022015). Collection method: clinical testing. Allele origin: germline.

Illumina Laboratory Services, Illumina
Classification: Benign for Hereditary coproporphyria. Last evaluated: 2018-01-12. Review status: criteria provided, single submitter. Criteria: ICSL Variant Classification Criteria 13 December 2019. Collection method: clinical testing. Allele origin: germline.
Comment: This variant was observed in the ICSL laboratory as part of a predisposition screen in an ostensibly healthy population. It had not been previously curated by ICSL or reported in the Human Gene Mutation Database (HGMD: prior to June 1st, 2018), and was therefore a candidate for classification through an automated scoring system. Utilizing variant allele frequency, disease prevalence and penetrance estimates, and inheritance mode, an automated score was calculated to assess if this variant is too frequent to cause the disease. Based on the score and internal cut-off values, a variant classified as benign is not then subjected to further curation. The score for this variant resulted in a classification of benign for this disease.

Breakthrough Genomics
Classification: Likely benign. Review status: criteria provided, single submitter. Criteria: ACMG Guidelines, 2015. Collection method: not provided. Allele origin: germline. Inheritance: Autosomal recessive inheritance. Affected: yes.

NM_000097.7(CPOX):c.954-15C>T

Gene: CPOX (coproporphyrinogen oxidase; minus strand). Cytogenetic location: 3q11.2.
Variant type: single nucleotide variant.
Coding change: c.954-15C>T on transcript NM_000097.7 (MANE Select); 15 bases into the intron before coding-DNA position 954, C replaced by T.
Molecular consequence: intron variant.
Genome position (GRCh38, 1-based): chr3:98,585,674, G>A on the plus strand (C>T on the coding strand, the complement: CPOX is on the minus strand). VCF-style: chr3-98585674-G-A. GRCh37 (hg19) VCF-style: chr3-98304518-G-A.
Identifiers: ClinVar variation 901579 (VCV000901579.12), dbSNP rs200327383, ClinGen allele CA2511553.